The following is an entry in ClinVar:

NM_001371928.1(AHDC1):c.1009del (p.Leu337fs)

Gene: AHDC1 (AT-hook DNA binding motif containing 1; minus strand). Cytogenetic location: 1p36.11.
Variant type: Deletion.
Coding change: c.1009del on transcript NM_001371928.1 (MANE Select); coding-DNA position 1009, one base deleted (C; older notation c.1009delC).
Protein change: p.Leu337fs; shifts the reading frame from leucine 337.
Molecular consequence: frameshift variant.
Genome position (GRCh38, 1-based): chr1:27,551,107, G deleted on the plus strand (C on the coding strand, the reverse complement: AHDC1 is on the minus strand); the first of 5 consecutive G bases (chr1:27,551,107-27,551,111); deleting any one gives the same sequence. VCF-style (leftmost placement, unchanged base first): chr1-27551106-AG-A. GRCh37 (hg19) VCF-style: chr1-27877617-AG-A.
Other names: c.1009del, p.Leu337fs (NM_001029882.3); short protein forms L337fs.
Identifiers: ClinVar variation 4813062 (VCV004813062.1).

ClinVar aggregate classification (germline): Likely pathogenic (1 of 4 stars; one submission).

Conditions:
AHDC1-related intellectual disability - obstructive sleep apnea - mild dysmorphism syndrome. Also called: Xia-Gibbs syndrome. Identifiers: Orphanet 412069, MedGen C4014419, MONDO:0014358, OMIM 615829.

Submission:

Variantyx, Inc.
Classification: Likely pathogenic for AHDC1-related intellectual disability - obstructive sleep apnea - mild dysmorphism syndrome. Last evaluated: 2026-01-02. Review status: criteria provided, single submitter. Criteria: Variantyx Assertion Criteria 2022. Collection method: clinical testing. Allele origin: germline. Inheritance: Autosomal dominant inheritance. Affected: yes.
Comment: This is a frameshift variant in the AHDC1 gene (OMIM: 615790). Pathogenic variants in this gene have been associated with autosomal dominant Xia-Gibbs syndrome. This variant introduces a premature termination codon in exon 8out of 9. It is expected to result in loss of function, which is a known disease mechanism for AHDC1 in this disorder (PMID: 27148574, 24791903) (PVS1). This variant is absent from control populations (PM2).This variant has not been reported in individuals with AHDC1-related disorders in the databases available for review. Based on the current evidence, this variant is classified as likely pathogenic for autosomal dominant Xia-Gibbs syndrome.

Literature cited by the submitters: PubMed 27148574; PubMed 24791903.